The following is an entry in ClinVar:

ClinVar aggregate classification (germline): Uncertain significance (1 of 4 stars; one submission).

Submission:

Labcorp Genetics (formerly Invitae), Labcorp
Classification: Uncertain significance. Last evaluated: 2023-08-24. Review status: criteria provided, single submitter. Criteria: Invitae Variant Classification Sherloc (09022015). Collection method: clinical testing. Allele origin: germline.
Comment: This variant is present in population databases (rs192213532, gnomAD 0.0009%). This sequence change replaces glycine, which is neutral and non-polar, with valine, which is neutral and non-polar, at codon 101 of the SLC25A4 protein (p.Gly101Val). This variant has not been reported in the literature in individuals affected with SLC25A4-related conditions. In summary, the available evidence is currently insufficient to determine the role of this variant in disease. Therefore, it has been classified as a Variant of Uncertain Significance. Advanced modeling of protein sequence and biophysical properties (such as structural, functional, and spatial information, amino acid conservation, physicochemical variation, residue mobility, and thermodynamic stability) performed at Invitae indicates that this missense variant is not expected to disrupt SLC25A4 protein function.

NM_001151.4(SLC25A4):c.302G>T (p.Gly101Val)

Gene: SLC25A4 (solute carrier family 25 member 4; plus strand). Cytogenetic location: 4q35.1.
Variant type: single nucleotide variant.
Coding change: c.302G>T on transcript NM_001151.4 (MANE Select); coding-DNA position 302, G replaced by T.
Protein change: p.Gly101Val; replaces glycine 101 with valine.
Molecular consequence: missense variant.
Genome position (GRCh38, 1-based): chr4:185,144,954, G>T. VCF-style: chr4-185144954-G-T. GRCh37 (hg19) VCF-style: chr4-186066108-G-T.
Other names: short protein forms G101V.
Identifiers: ClinVar variation 2985399 (VCV002985399.3), dbSNP rs192213532, ClinGen allele CA3156446.